The following is an entry in ClinVar:

ClinVar aggregate classification (germline): Benign/Likely benign. Review status: criteria provided, multiple submitters, no conflicts (2 of 4 stars). 4 submissions from 4 submitters: Benign (3); Likely benign (1). Last evaluated 2026-01-27.

Conditions:
Familial hypoparathyroidism. Also called: Familial isolated hypoparathyroidism. Identifiers: Orphanet 2238, MedGen C1832648, MONDO:0016390.

Allele frequency attached by ClinVar (database versions not stated): gnomAD exomes 0.00614 and 0.00784; ExAC 0.00876; 1000 Genomes Project 30x 0.01686; 1000 Genomes Project 0.01697; gnomAD 0.01783 and 0.01873; TOPMed 0.01954; ESP Exome Variant Server 0.02268.
gnomAD v4.1: 11,804 of 1,614,144 alleles (0.73%); highest among the groups gnomAD compares: African/African-American, 5.2%; 152 homozygotes.

Submissions (4):

Labcorp Genetics (formerly Invitae), Labcorp
Classification: Benign. Last evaluated: 2026-01-27. Review status: criteria provided, single submitter. Criteria: Invitae Variant Classification Sherloc (09022015). Collection method: clinical testing. Allele origin: germline.

Blueprint Genetics
Classification: Likely benign. Last evaluated: 2024-11-26. Review status: criteria provided, single submitter. Criteria: ACMG Guidelines, 2015. Collection method: clinical testing. Allele origin: germline.

GeneDx
Classification: Benign. Last evaluated: 2021-05-06. Review status: criteria provided, single submitter. Criteria: GeneDx Variant Classification Process June 2021. Collection method: clinical testing. Allele origin: germline. Affected: yes.

Illumina Laboratory Services, Illumina
Classification: Benign for Hypoparathyroidism, familial isolated 1. Last evaluated: 2018-01-13. Review status: criteria provided, single submitter. Criteria: ICSL Variant Classification Criteria 13 December 2019. Collection method: clinical testing. Allele origin: germline.
Comment: This variant was observed in the ICSL laboratory as part of a predisposition screen in an ostensibly healthy population. It had not been previously curated by ICSL or reported in the Human Gene Mutation Database (HGMD: prior to June 1st, 2018), and was therefore a candidate for classification through an automated scoring system. Utilizing variant allele frequency, disease prevalence and penetrance estimates, and inheritance mode, an automated score was calculated to assess if this variant is too frequent to cause the disease. Based on the score and internal cut-off values, a variant classified as benign is not then subjected to further curation. The score for this variant resulted in a classification of benign for this disease.

NM_004752.4(GCM2):c.897T>C (p.Pro299=)

Gene: GCM2 (GCM transcription factor 2; minus strand). Cytogenetic location: 6p24.2.
Variant type: single nucleotide variant.
Coding change: c.897T>C on transcript NM_004752.4 (MANE Select); coding-DNA position 897, T replaced by C.
Protein change: p.Pro299=; no amino-acid change (proline 299 retained).
Molecular consequence: synonymous variant.
Genome position (GRCh38, 1-based): chr6:10,874,619, A>G on the plus strand (T>C on the coding strand, the complement: GCM2 is on the minus strand). VCF-style: chr6-10874619-A-G. GRCh37 (hg19) VCF-style: chr6-10874852-A-G.
Identifiers: ClinVar variation 355012 (VCV000355012.16), dbSNP rs73440491, ClinGen allele CA3633984.